The following is an entry in ClinVar:

NM_000222.3(KIT):c.1315G>A (p.Asp439Asn)

Gene: KIT (KIT proto-oncogene, receptor tyrosine kinase; plus strand). Cytogenetic location: 4q12.
Variant type: single nucleotide variant.
Coding change: c.1315G>A on transcript NM_000222.3 (MANE Select); coding-DNA position 1315, G replaced by A.
Protein change: p.Asp439Asn; replaces aspartic acid 439 with asparagine.
Molecular consequence: missense variant.
Genome position (GRCh38, 1-based): chr4:54,723,667, G>A. VCF-style: chr4-54723667-G-A. GRCh37 (hg19) VCF-style: chr4-55589833-G-A.
Other names: c.1315G>A, p.Asp439Asn (NM_001093772.2, NM_001385285.1, NM_001385286.1); c.1318G>A, p.Asp440Asn (NM_001385284.1, NM_001385288.1, NM_001385290.1 and 1 more transcripts); short protein forms D439N, D440N.
Identifiers: ClinVar variation 2200087 (VCV002200087.4), dbSNP rs2109761209, ClinGen allele CA356905713.
Genomic context (GRCh38, chr4:54,723,667, plus strand): 5'-GACAGGCTCGTGAATGGCATGCTCCAATGTGTGGCAGCAGGATTCCCAGAGCCCACAATA[G>A]ATTGGTATTTTTGTCCAGGAACTGAGCAGAGGTGAGATGATTATTTTTGGCACTGCTTAT-3'
Protein context (NP_000213.1, residues 429-449): VAAGFPEPTI[Asp439Asn]WYFCPGTEQR

ClinVar aggregate classification (germline): Uncertain significance (1 of 4 stars; one submission).

Conditions:
Gastrointestinal stromal tumor. Also called: Gastrointestinal stroma tumor; Gastrointestinal stromal tumor, somatic. Identifiers: Orphanet 44890, MedGen C0238198, MeSH D046152, MONDO:0011719, OMIM 606764, HP:0100723.

Submission:

Labcorp Genetics (formerly Invitae), Labcorp
Classification: Uncertain significance for Gastrointestinal stromal tumor. Last evaluated: 2022-09-17. Review status: criteria provided, single submitter. Criteria: Invitae Variant Classification Sherloc (09022015). Collection method: clinical testing. Allele origin: germline.
Comment: In summary, the available evidence is currently insufficient to determine the role of this variant in disease. Therefore, it has been classified as a Variant of Uncertain Significance. Algorithms developed to predict the effect of missense changes on protein structure and function (SIFT, PolyPhen-2, Align-GVGD) all suggest that this variant is likely to be tolerated. This variant has not been reported in the literature in individuals affected with KIT-related conditions. This variant is not present in population databases (gnomAD no frequency). This sequence change replaces aspartic acid, which is acidic and polar, with asparagine, which is neutral and polar, at codon 439 of the KIT protein (p.Asp439Asn).